The following is an entry in ClinVar:

ClinVar aggregate classification (germline): Uncertain significance (1 of 4 stars; one submission).

Conditions:
Dyskeratosis congenita. Identifiers: Orphanet 1775, MedGen C0265965, MONDO:0015780.

Submission:

Labcorp Genetics (formerly Invitae), Labcorp
Classification: Uncertain significance for Dyskeratosis congenita. Last evaluated: 2018-04-17. Review status: criteria provided, single submitter. Criteria: Invitae Variant Classification Sherloc (09022015). Collection method: clinical testing. Allele origin: germline.
Comment: In summary, the available evidence is currently insufficient to determine the role of this variant in disease. Therefore, it has been classified as a Variant of Uncertain Significance. Algorithms developed to predict the effect of missense changes on protein structure and function output the following: SIFT: "Deleterious"; PolyPhen-2: "Possibly Damaging"; Align-GVGD: "Class C0". The threonine amino acid residue is found in multiple mammalian species, suggesting that this missense change does not adversely affect protein function. These predictions have not been confirmed by published functional studies and their clinical significance is uncertain. This variant has not been reported in the literature in individuals with CTC1-related disease. This variant is not present in population databases (ExAC no frequency). This sequence change replaces alanine with threonine at codon 965 of the CTC1 protein (p.Ala965Thr). The alanine residue is highly conserved and there is a small physicochemical difference between alanine and threonine.

NM_025099.6(CTC1):c.2893G>A (p.Ala965Thr)

Gene: CTC1 (CST telomere replication complex component 1; minus strand). Cytogenetic location: 17p13.1.
Variant type: single nucleotide variant.
Coding change: c.2893G>A on transcript NM_025099.6 (MANE Select); coding-DNA position 2893, G replaced by A.
Protein change: p.Ala965Thr; replaces alanine 965 with threonine.
Molecular consequence: missense variant. On other transcripts: non-coding transcript variant (1).
Genome position (GRCh38, 1-based): chr17:8,230,334, C>T on the plus strand (G>A on the coding strand, the complement: CTC1 is on the minus strand). VCF-style: chr17-8230334-C-T. GRCh37 (hg19) VCF-style: chr17-8133652-C-T.
Other names: short protein forms A965T.
Identifiers: ClinVar variation 1008956 (VCV001008956.8), dbSNP rs1987104593, ClinGen allele CA397973881.
Genomic context (GRCh38, chr17:8,230,334, plus strand): 5'-GTGACACTACACATCTTCACCTGGAAACCCTTTTCTCCAACTGGCTGAAGTGGACCCGGG[C>T]TCCTGGAAGTAGTCCTAGTGAGGGAGGCAAGTGTGGGTCTTCTATATATACATCCAGGTG-3'
Protein context (NP_079375.3, residues 955-975): LPPSLGLLPG[Ala965Thr]RVHFSQLEKR